The following is an entry in ClinVar:

NM_020401.4(NUP107):c.2339C>T (p.Pro780Leu)

Gene: NUP107 (nucleoporin 107; plus strand). Cytogenetic location: 12q15.
Variant type: single nucleotide variant.
Coding change: c.2339C>T on transcript NM_020401.4 (MANE Select); coding-DNA position 2339, C replaced by T.
Protein change: p.Pro780Leu; replaces proline 780 with leucine.
Molecular consequence: missense variant.
Genome position (GRCh38, 1-based): chr12:68,734,784, C>T. VCF-style: chr12-68734784-C-T. GRCh37 (hg19) VCF-style: chr12-69128564-C-T.
Other names: c.2252C>T, p.Pro751Leu (NM_001330192.2); short protein forms P751L, P780L.
Identifiers: ClinVar variation 2178483 (VCV002178483.4), dbSNP rs1177726381, ClinGen allele CA385699091.

ClinVar aggregate classification (germline): Uncertain significance (1 of 4 stars; one submission).

Allele frequency attached by ClinVar (database versions not stated): gnomAD exomes below 0.00001.
gnomAD v4.1: 7 of 1,613,192 alleles (0.00043%); highest among the groups gnomAD compares: Admixed American, 0.0083%; no homozygotes.

Submission:

Labcorp Genetics (formerly Invitae), Labcorp
Classification: Uncertain significance. Last evaluated: 2022-04-16. Review status: criteria provided, single submitter. Criteria: Invitae Variant Classification Sherloc (09022015). Collection method: clinical testing. Allele origin: germline.
Comment: This sequence change replaces proline, which is neutral and non-polar, with leucine, which is neutral and non-polar, at codon 780 of the NUP107 protein (p.Pro780Leu). In summary, the available evidence is currently insufficient to determine the role of this variant in disease. Therefore, it has been classified as a Variant of Uncertain Significance. Algorithms developed to predict the effect of missense changes on protein structure and function are either unavailable or do not agree on the potential impact of this missense change (SIFT: "Not Available"; PolyPhen-2: "Benign"; Align-GVGD: "Not Available"). This variant has not been reported in the literature in individuals affected with NUP107-related conditions. This variant is present in population databases (no rsID available, gnomAD 0.009%).